The following is an entry in ClinVar:

NM_000426.4(LAMA2):c.164A>G (p.Asn55Ser)

Gene: LAMA2 (laminin subunit alpha 2; plus strand). Cytogenetic location: 6q22.33.
Variant type: single nucleotide variant.
Coding change: c.164A>G on transcript NM_000426.4 (MANE Select); coding-DNA position 164, A replaced by G.
Protein change: p.Asn55Ser; replaces asparagine 55 with serine.
Molecular consequence: missense variant.
Genome position (GRCh38, 1-based): chr6:129,049,969, A>G. VCF-style: chr6-129049969-A-G. GRCh37 (hg19) VCF-style: chr6-129371114-A-G.
Other names: c.164A>G, p.Asn55Ser (NM_001079823.2); short protein forms N55S.
Identifiers: ClinVar variation 1907738 (VCV001907738.5), dbSNP rs781113853, ClinGen allele CA3992239.

ClinVar aggregate classification (germline): Uncertain significance (1 of 4 stars; one submission).

Conditions:
LAMA2-related muscular dystrophy (LAMA2-RD). Also called: Laminin alpha 2-related dystrophy. Identifiers: MedGen C5679788, MONDO:0100228.

Allele frequency attached by ClinVar (database versions not stated): gnomAD exomes below 0.00001; TOPMed 0.00001; ExAC 0.00002; gnomAD 0.00002.

Submission:

Labcorp Genetics (formerly Invitae), Labcorp
Classification: Uncertain significance for LAMA2-related muscular dystrophy. Last evaluated: 2023-06-19. Review status: criteria provided, single submitter. Criteria: Invitae Variant Classification Sherloc (09022015). Collection method: clinical testing. Allele origin: germline.
Comment: Advanced modeling of protein sequence and biophysical properties (such as structural, functional, and spatial information, amino acid conservation, physicochemical variation, residue mobility, and thermodynamic stability) performed at Invitae indicates that this missense variant is not expected to disrupt LAMA2 protein function. In summary, the available evidence is currently insufficient to determine the role of this variant in disease. Therefore, it has been classified as a Variant of Uncertain Significance. ClinVar contains an entry for this variant (Variation ID: 1907738). This variant has not been reported in the literature in individuals affected with LAMA2-related conditions. This variant is present in population databases (rs781113853, gnomAD 0.01%). This sequence change replaces asparagine, which is neutral and polar, with serine, which is neutral and polar, at codon 55 of the LAMA2 protein (p.Asn55Ser).